The following is an entry in ClinVar:

ClinVar aggregate classification (germline): Likely pathogenic (1 of 4 stars; one submission).

Conditions:
Retinoblastoma (RB1). Also called: RETINOBLASTOMA, SOMATIC. Identifiers: Orphanet 790, MedGen C0035335, MeSH D012175, MONDO:0008380, OMIM 180200, HP:0009919. Disease mechanism: loss of function. Inheritance: Both sporadic and heritable forms are tested..

Submission:

Labcorp Genetics (formerly Invitae), Labcorp
Classification: Likely pathogenic for Retinoblastoma. Last evaluated: 2016-11-07. Review status: criteria provided, single submitter. Criteria: Invitae Variant Classification Sherloc (09022015). Collection method: clinical testing. Allele origin: germline.
Comment: This variant is a gross deletion of the genomic region encompassing exons 14-17 of the RB1 gene. This leads to an in-frame deletion, preserving the integrity of the reading frame. This variant has been reported in an individual affected with retinoblastoma with (PMID: 16127685). An in-frame deletion of exon 14 deletion has also been observed in two members of a family affected with retinoblastoma (PMID:, 21654082). This variant removes a portion of the A-box domain of the "pocket" of RB1 (AAs 380-785) (PMID: 9495340, 12502741), which is critical for RB1 interactions with downstream factors such as E2F (PMID: 8756645, 12502741, 1534305). In summary, this variant is a rare in-frame deletion that is present in a retinoblastoma patient and disrupts an essential domain in the RB1 protein. This evidence indicates that the variant is pathogenic, but additional data is needed to prove that conclusively. Therefore, this variant has been classified as Likely Pathogenic.

NC_000013.11:g.(?_48379594)_(48381443_?)del

Gene: RB1 (RB transcriptional corepressor 1; plus strand). Cytogenetic location: 13q14.2.
Variant type: Deletion.
Identifiers: ClinVar variation 417542 (VCV000417542.1).